The following is an entry in ClinVar:

ClinVar aggregate classification (germline): Conflicting classifications of pathogenicity. Review status: criteria provided, conflicting classifications (1 of 4 stars). 5 submissions from 5 submitters: Uncertain significance (4); Likely benign (1). Last evaluated 2024-06-18.

Conditions:
Cryohydrocytosis. Also called: Hereditary cryohydrocytosis with normal stomatin; STOMATOCYTOSIS, COLD-SENSITIVE; CRYOHYDROCYTOSIS DUE TO BAND 3 HEMEL; CRYOHYDROCYTOSIS DUE TO BAND 3 HURSTPIERPOINT; CRYOHYDROCYTOSIS DUE TO BAND 3 BLACKBURN. Identifiers: Orphanet 398088, MedGen C1861453, MONDO:0008494, OMIM 185020.
Autosomal dominant distal renal tubular acidosis (DRTA1). Also called: Renal Tubular Acidosis, Type I; RTA, CLASSIC TYPE; RTA, DISTAL TYPE, AUTOSOMAL DOMINANT; RTA, GRADIENT TYPE; RENAL TUBULAR ACIDOSIS, DISTAL, 1. Identifiers: Orphanet 93608, MedGen CN280572, MONDO:0008368, OMIM 179800.
Renal tubular acidosis, distal, 4, with hemolytic anemia. Also called: Renal Tubular Acidosis, Distal, with Hemolytic Anemia. Identifiers: Orphanet 93610, MedGen C5436235, MONDO:0012700, OMIM 611590.
BLOOD GROUP, WALDNER (WD). Also called: WALDNER BLOOD GROUP ANTIGEN. Identifiers: MedGen C1862191, OMIM 112010.
BLOOD GROUP--FROESE (FR). Also called: FROESE BLOOD GROUP ANTIGEN. Identifiers: MedGen C1832168, OMIM 601551.
BLOOD GROUP--WRIGHT ANTIGEN (WR). Identifiers: MedGen C1862190, OMIM 112050.
BLOOD GROUP--SWANN SYSTEM (SW). Also called: SWANN BLOOD GROUP. Identifiers: MedGen C1832169, OMIM 601550.
BLOOD GROUP--DIEGO SYSTEM (DI). Identifiers: MedGen C1292286, OMIM 110500.
Malaria, susceptibility to. Identifiers: Orphanet 673, MedGen C1970028, MONDO:0021024, OMIM 611162.
Hereditary spherocytosis type 4. Also called: SLC4A1-Related Spherocytosis. Identifiers: Orphanet 822, MedGen C2675212, MONDO:0012981, OMIM 612653.
Southeast Asian ovalocytosis. Also called: Elliptocytosis 4; Stomatocytic elliptocytosis, hereditary; Ovalocytosis, Malaysian-Melanesian-Filipino type; HE, STOMATOCYTIC. Identifiers: Orphanet 98868, MedGen C1862322, MONDO:0008165, OMIM 166900.

Allele frequency attached by ClinVar (database versions not stated): gnomAD 0.00002 and 0.00003; 1000 Genomes Project 30x 0.00016; 1000 Genomes Project 0.00020.
gnomAD v4.1: 149 of 1,613,982 alleles (0.0092%); highest among the groups gnomAD compares: Non-Finnish European, 0.012%; no homozygotes.

Submissions (5):

Revvity Omics, Revvity
Classification: Uncertain significance. Last evaluated: 2024-06-18. Review status: criteria provided, single submitter. Criteria: ACMG Guidelines, 2015. Collection method: clinical testing. Allele origin: germline.

Fulgent Genetics
Classification: Uncertain significance for BLOOD GROUP--DIEGO SYSTEM; BLOOD GROUP, WALDNER; BLOOD GROUP--WRIGHT ANTIGEN; Southeast Asian ovalocytosis; Autosomal dominant distal renal tubular acidosis; Cryohydrocytosis; BLOOD GROUP--SWANN SYSTEM; BLOOD GROUP--FROESE; Malaria, susceptibility to; Renal tubular acidosis, distal, 4, with hemolytic anemia; Hereditary spherocytosis type 4. Last evaluated: 2024-05-22. Review status: criteria provided, single submitter. Criteria: ACMG Guidelines, 2015. Collection method: clinical testing. Allele origin: germline.

Blueprint Genetics
Classification: Likely benign. Last evaluated: 2022-10-05. Review status: criteria provided, single submitter. Criteria: ACMG Guidelines, 2015. Collection method: clinical testing. Allele origin: germline.

Department of Pathology and Laboratory Medicine, Sinai Health System
Classification: Uncertain significance for Southeast Asian ovalocytosis; Autosomal dominant distal renal tubular acidosis; Cryohydrocytosis; Renal tubular acidosis, distal, 4, with hemolytic anemia; Hereditary spherocytosis type 4. Last evaluated: 2021-08-30. Review status: criteria provided, single submitter. Criteria: ACMG Guidelines, 2015. Collection method: research. Allele origin: germline.

Labcorp Genetics (formerly Invitae), Labcorp
Classification: Uncertain significance. Last evaluated: 2021-08-30. Review status: criteria provided, single submitter. Criteria: Invitae Variant Classification Sherloc (09022015). Collection method: clinical testing. Allele origin: germline.
Comment: This sequence change replaces arginine with glutamine at codon 901 of the SLC4A1 protein (p.Arg901Gln). The arginine residue is weakly conserved and there is a small physicochemical difference between arginine and glutamine. This variant is present in population databases (rs189300762, ExAC 0.005%). This variant has not been reported in the literature in individuals affected with SLC4A1-related conditions. Algorithms developed to predict the effect of missense changes on protein structure and function output the following: SIFT: "Tolerated"; PolyPhen-2: "Benign"; Align-GVGD: "Class C0". The glutamine amino acid residue is found in multiple mammalian species, which suggests that this missense change does not adversely affect protein function. In summary, the available evidence is currently insufficient to determine the role of this variant in disease. Therefore, it has been classified as a Variant of Uncertain Significance.

NM_000342.4(SLC4A1):c.2702G>A (p.Arg901Gln)

Gene: SLC4A1 (solute carrier family 4 member 1 (Diego blood group); minus strand). Cytogenetic location: 17q21.31.
Variant type: single nucleotide variant.
Coding change: c.2702G>A on transcript NM_000342.4 (MANE Select); coding-DNA position 2702, G replaced by A.
Protein change: p.Arg901Gln; replaces arginine 901 with glutamine.
Molecular consequence: missense variant.
Genome position (GRCh38, 1-based): chr17:44,250,492, C>T on the plus strand (G>A on the coding strand, the complement: SLC4A1 is on the minus strand). VCF-style: chr17-44250492-C-T. GRCh37 (hg19) VCF-style: chr17-42327860-C-T.
Other names: short protein forms R901Q.
Identifiers: ClinVar variation 1356463 (VCV001356463.9), dbSNP rs189300762, ClinGen allele CA8599952.